The following is an entry in ClinVar:

NM_017849.4(TMEM127):c.560C>T (p.Ser187Leu)

Gene: TMEM127 (transmembrane protein 127; minus strand). Cytogenetic location: 2q11.2.
Variant type: single nucleotide variant.
Coding change: c.560C>T on transcript NM_017849.4 (MANE Select); coding-DNA position 560, C replaced by T.
Protein change: p.Ser187Leu; replaces serine 187 with leucine.
Molecular consequence: missense variant.
Genome position (GRCh38, 1-based): chr2:96,253,965, G>A on the plus strand (C>T on the coding strand, the complement: TMEM127 is on the minus strand). VCF-style: chr2-96253965-G-A. GRCh37 (hg19) VCF-style: chr2-96919703-G-A.
Other names: c.560C>T, p.Ser187Leu (NM_001193304.3); short protein forms S187L.
Identifiers: ClinVar variation 962130 (VCV000962130.13), dbSNP rs1684147520, ClinGen allele CA347652360.

ClinVar aggregate classification (germline): Uncertain significance. Review status: criteria provided, multiple submitters, no conflicts (2 of 4 stars). 3 submissions from 3 submitters: Uncertain significance (3). Last evaluated 2025-11-12.

Conditions:
Hereditary pheochromocytoma and paraganglioma. Also called: Hereditary pheochromocytoma-paraganglioma; Hereditary Paraganglioma-Pheochromocytoma Syndromes; Hereditary paragangliomas and pheochromocytomas. Identifiers: Orphanet 29072, MedGen C4274332, MONDO:0017366.
Hereditary cancer-predisposing syndrome. Also called: Hereditary neoplastic syndrome; Hereditary Cancer Syndrome; Tumor predisposition; Neoplastic Syndromes, Hereditary. Identifiers: Orphanet 140162, MedGen C0027672, MeSH D009386, MONDO:0015356.

Allele frequency attached by ClinVar (database versions not stated): gnomAD exomes below 0.00001.
gnomAD v4.1: 2 of 1,614,168 alleles (0.00012%); highest among the groups gnomAD compares: Non-Finnish European, 0.00017%; no homozygotes.

Submissions (3):

Labcorp Genetics (formerly Invitae), Labcorp
Classification: Uncertain significance for Hereditary pheochromocytoma and paraganglioma. Last evaluated: 2025-11-12. Review status: criteria provided, single submitter. Criteria: Invitae Variant Classification Sherloc (09022015). Collection method: clinical testing. Allele origin: germline.
Comment: This sequence change replaces serine, which is neutral and polar, with leucine, which is neutral and non-polar, at codon 187 of the TMEM127 protein (p.Ser187Leu). This variant is not present in population databases (gnomAD no frequency). This variant has not been reported in the literature in individuals affected with TMEM127-related conditions. ClinVar contains an entry for this variant (Variation ID: 962130). An algorithm developed to predict the effect of missense changes on protein structure and function (PolyPhen-2) suggests that this variant is likely to be disruptive. In summary, the available evidence is currently insufficient to determine the role of this variant in disease. Therefore, it has been classified as a Variant of Uncertain Significance.

GeneDx
Classification: Uncertain significance. Last evaluated: 2025-05-19. Review status: criteria provided, single submitter. Criteria: GeneDx Variant Classification Process June 2021. Collection method: clinical testing. Allele origin: germline. Affected: yes.
Comment: Not observed at significant frequency in large population cohorts (gnomAD); In silico analysis supports that this missense variant has a deleterious effect on protein structure/function; Has not been previously published as pathogenic or benign to our knowledge; This variant is associated with the following publications: (PMID: 21156949)

Ambry Genetics
Classification: Uncertain significance for Hereditary cancer-predisposing syndrome. Last evaluated: 2021-02-01. Review status: criteria provided, single submitter. Criteria: Ambry Variant Classification Scheme 2023. Collection method: clinical testing. Allele origin: germline.
Comment: The p.S187L variant (also known as c.560C>T), located in coding exon 3 of the TMEM127 gene, results from a C to T substitution at nucleotide position 560. The serine at codon 187 is replaced by leucine, an amino acid with dissimilar properties. This amino acid position is highly conserved in available vertebrate species. In addition, this alteration is predicted to be deleterious by in silico analysis. Since supporting evidence is limited at this time, the clinical significance of this alteration remains unclear.